The following is an entry in ClinVar:

ClinVar aggregate classification (germline): Conflicting classifications of pathogenicity. Review status: criteria provided, conflicting classifications (1 of 4 stars). 4 submissions from 2 submitters: Uncertain significance (1); Benign (2); Likely benign (1). Last evaluated 2021-05-25.

Conditions:
Renal-hepatic-pancreatic dysplasia 1 (RHPD1). Identifiers: MedGen C3715199, MONDO:0008833, OMIM 208540.
NPHP3-related Meckel-like syndrome. Also called: GOLDSTON SYNDROME; Meckel syndrome type 7. Identifiers: Orphanet 3032, MedGen C2673885, MONDO:0009966, OMIM 267010.
Nephronophthisis 3 (NPHP3). Also called: Adolescent nephronophthisis. Identifiers: Orphanet 655, MedGen C1858392, MONDO:0011456, OMIM 604387.

Allele frequency attached by ClinVar (database versions not stated): gnomAD 0.00583 and 0.00625; TOPMed 0.00662; 1000 Genomes Project 30x 0.00734; 1000 Genomes Project 0.00739.

Submissions (4):

GeneDx
Classification: Likely benign. Last evaluated: 2021-05-25. Review status: criteria provided, single submitter. Criteria: GeneDx Variant Classification Process June 2021. Collection method: clinical testing. Allele origin: germline. Affected: yes.

Illumina Laboratory Services, Illumina
Classification: Benign for Nephronophthisis 3. Last evaluated: 2018-01-13. Review status: criteria provided, single submitter. Criteria: ICSL Variant Classification Criteria 13 December 2019. Collection method: clinical testing. Allele origin: germline.
Comment: This variant was observed in the ICSL laboratory as part of a predisposition screen in an ostensibly healthy population. It had not been previously curated by ICSL or reported in the Human Gene Mutation Database (HGMD: prior to June 1st, 2018), and was therefore a candidate for classification through an automated scoring system. Utilizing variant allele frequency, disease prevalence and penetrance estimates, and inheritance mode, an automated score was calculated to assess if this variant is too frequent to cause the disease. Based on the score and internal cut-off values, a variant classified as benign is not then subjected to further curation. The score for this variant resulted in a classification of benign for this disease.

Illumina Laboratory Services, Illumina
Classification: Uncertain significance for NPHP3-related Meckel-like syndrome. Last evaluated: 2018-01-13. Review status: criteria provided, single submitter. Criteria: ICSL Variant Classification Criteria 13 December 2019. Collection method: clinical testing. Allele origin: germline.

Illumina Laboratory Services, Illumina
Classification: Benign for Renal-hepatic-pancreatic dysplasia 1. Last evaluated: 2018-01-13. Review status: criteria provided, single submitter. Criteria: ICSL Variant Classification Criteria 13 December 2019. Collection method: clinical testing. Allele origin: germline.
Comment: the same text as in the submission from Illumina Laboratory Services, Illumina above.

NM_153240.5(NPHP3):c.*815G>A

Genes: NPHP3 (nephrocystin 3; minus strand), NPHP3-ACAD11 (NPHP3-ACAD11 readthrough (NMD candidate); minus strand). Cytogenetic location: 3q22.1.
Variant type: single nucleotide variant.
Coding change: c.*815G>A on transcript NM_153240.5 (MANE Select); 815 bases downstream of the stop codon, G replaced by A.
Molecular consequence: 3 prime UTR variant.
Genome position (GRCh38, 1-based): chr3:132,681,095, C>T on the plus strand (G>A on the coding strand, the complement: NPHP3 is on the minus strand). VCF-style: chr3-132681095-C-T. GRCh37 (hg19) VCF-style: chr3-132399939-C-T.
Identifiers: ClinVar variation 343358 (VCV000343358.6), dbSNP rs141464909, ClinGen allele CA10617381.